The following is an entry in ClinVar:

ClinVar aggregate classification (germline): Uncertain significance. Review status: criteria provided, multiple submitters, no conflicts (2 of 4 stars). 5 submissions from 5 submitters: Uncertain significance (5). Last evaluated 2025-10-01.

Conditions:
Developmental and epileptic encephalopathy, 18 (DEE18). Also called: Early infantile epileptic encephalopathy 18. Identifiers: Orphanet 369894, MedGen C3809624, MONDO:0014201, OMIM 615476.

Allele frequency attached by ClinVar (database versions not stated): gnomAD exomes 0.00014 and 0.00008; ESP Exome Variant Server 0.00015; gnomAD 0.00003 and 0.00004; TOPMed 0.00008; ExAC 0.00014.
gnomAD v4.1: 121 of 1,613,986 alleles (0.0075%); highest among the groups gnomAD compares: Admixed American, 0.037%; no homozygotes.

Submissions (5):

Athena Diagnostics
Classification: Uncertain significance. Last evaluated: 2025-10-01. Review status: criteria provided, single submitter. Criteria: Athena Diagnostics Criteria. Collection method: clinical testing. Allele origin: unknown.
Comment: Available data are insufficient to determine the clinical significance of the variant at this time. The frequency of this variant in the general population is uninformative in assessment of its pathogenicity. Polyphen and MutationTaster predict this amino acid change may be benign.

Labcorp Genetics (formerly Invitae), Labcorp
Classification: Uncertain significance. Last evaluated: 2024-11-11. Review status: criteria provided, single submitter. Criteria: Invitae Variant Classification Sherloc (09022015). Collection method: clinical testing. Allele origin: germline.
Comment: This sequence change replaces arginine, which is basic and polar, with cysteine, which is neutral and slightly polar, at codon 2471 of the SZT2 protein (p.Arg2471Cys). This variant is present in population databases (rs139028803, gnomAD 0.06%). This variant has not been reported in the literature in individuals affected with SZT2-related conditions. ClinVar contains an entry for this variant (Variation ID: 864181). Invitae Evidence Modeling of protein sequence and biophysical properties (such as structural, functional, and spatial information, amino acid conservation, physicochemical variation, residue mobility, and thermodynamic stability) indicates that this missense variant is not expected to disrupt SZT2 protein function with a negative predictive value of 80%. Algorithms developed to predict the effect of sequence changes on RNA splicing suggest that this variant may disrupt the consensus splice site. In summary, the available evidence is currently insufficient to determine the role of this variant in disease. Therefore, it has been classified as a Variant of Uncertain Significance.

Genome-Nilou Lab
Classification: Uncertain significance for Developmental and epileptic encephalopathy, 18. Last evaluated: 2023-04-11. Review status: criteria provided, single submitter. Criteria: ACMG Guidelines, 2015. Collection method: clinical testing. Allele origin: germline. Affected: no.

New York Genome Center
Classification: Uncertain significance for Developmental and epileptic encephalopathy, 18. Last evaluated: 2020-06-01. Review status: criteria provided, single submitter. Criteria: NYGC Assertion Criteria 2020. Collection method: clinical testing. Allele origin: inherited. Observed: 1 heterozygote. Study: CSER-NYCKidSeq.

Breakthrough Genomics
Classification: Uncertain significance. Review status: criteria provided, single submitter. Criteria: ACMG Guidelines, 2015. Collection method: not provided. Allele origin: germline. Inheritance: Autosomal recessive inheritance. Affected: yes.

Literature cited by the submitters: PubMed 29358611 (cited by Athena Diagnostics); PubMed 31440721 (cited by Athena Diagnostics).

NM_001365999.1(SZT2):c.7582C>T (p.Arg2528Cys)

Gene: SZT2 (SZT2 subunit of KICSTOR complex; plus strand). Cytogenetic location: 1p34.2.
Variant type: single nucleotide variant.
Coding change: c.7582C>T on transcript NM_001365999.1 (MANE Select); coding-DNA position 7582, C replaced by T.
Protein change: p.Arg2528Cys; replaces arginine 2528 with cysteine.
Molecular consequence: missense variant.
Genome position (GRCh38, 1-based): chr1:43,441,574, C>T. VCF-style: chr1-43441574-C-T. GRCh37 (hg19) VCF-style: chr1-43907245-C-T.
Other names: c.7411C>T, p.Arg2471Cys (NM_015284.4); short protein forms R2471C, R2528C.
Identifiers: ClinVar variation 864181 (VCV000864181.12), dbSNP rs139028803, ClinGen allele CA810272.